The following is an entry in ClinVar:

NM_144991.2(TSPEAR):c.83-32773G>A

Genes: KRTAP10-7 (keratin associated protein 10-7; plus strand), TSPEAR (thrombospondin type laminin G domain and EAR repeats; minus strand). Cytogenetic location: 21q22.3.
Variant type: single nucleotide variant.
Coding change: c.83-32773G>A on transcript NM_144991.2; 32773 bases into the intron before coding-DNA position 83, G replaced by A.
Other names: c.-122-32773G>A (NM_001272037.1).
Identifiers: ClinVar variation 2652769 (VCV002652769.21), dbSNP rs373191083.

ClinVar aggregate classification (germline): Likely benign. Review status: criteria provided, multiple submitters, no conflicts (2 of 4 stars). 2 submissions from 2 submitters: Likely benign (2). Last evaluated 2024-11-27.

Submissions (2):

Blueprint Genetics
Classification: Likely benign. Last evaluated: 2024-11-27. Review status: criteria provided, single submitter. Criteria: ACMG Guidelines, 2015. Collection method: clinical testing. Allele origin: germline.

CeGaT Center for Human Genetics Tuebingen
Classification: Likely benign. Last evaluated: 2023-01-01. Review status: criteria provided, single submitter. Criteria: CeGaT Center For Human Genetics Tuebingen Variant Classification Criteria Version 2. Collection method: clinical testing. Allele origin: germline. Affected: yes. Observed: 1 variant allele.
Comment: KRTAP10-7: BP4, BP7